The following is an entry in ClinVar:

ClinVar aggregate classification (germline): Benign. Review status: criteria provided, multiple submitters, no conflicts (2 of 4 stars). 14 submissions from 14 submitters: Benign (10). 4 of the submissions do not count toward it. Last evaluated 2026-02-04.

Conditions:
Microcephaly 5, primary, autosomal recessive (MCPH5). Also called: ASPM Primary Microcephaly. Identifiers: Orphanet 2512, MedGen C1837501, MONDO:0012106, OMIM 608716.

Allele frequency attached by ClinVar (database versions not stated): gnomAD exomes 0.89987 and 0.89542; ESP Exome Variant Server 0.78692; TOPMed 0.79780; gnomAD 0.80210 and 0.81072; 1000 Genomes Project 30x 0.80434; 1000 Genomes Project 0.81589; ExAC 0.88756.
gnomAD v4.1: 1,436,725 of 1,612,026 alleles (89%); highest among the groups gnomAD compares: East Asian, 100%; 645,630 homozygotes.

Submissions (14):

Labcorp Genetics (formerly Invitae), Labcorp
Classification: Benign. Last evaluated: 2026-02-04. Review status: criteria provided, single submitter. Criteria: Invitae Variant Classification Sherloc (09022015). Collection method: clinical testing. Allele origin: germline.

Blueprint Genetics
Classification: Benign. Last evaluated: 2024-11-26. Review status: criteria provided, single submitter. Criteria: ACMG Guidelines, 2015. Collection method: clinical testing. Allele origin: germline.

Genome-Nilou Lab
Classification: Benign for Microcephaly 5, primary, autosomal recessive. Last evaluated: 2021-07-14. Review status: criteria provided, single submitter. Criteria: ACMG Guidelines, 2015. Collection method: clinical testing. Allele origin: germline. Affected: no.

Illumina Laboratory Services, Illumina
Classification: Benign for Microcephaly 5, primary, autosomal recessive. Last evaluated: 2018-01-13. Review status: criteria provided, single submitter. Criteria: ICSL Variant Classification Criteria 13 December 2019. Collection method: clinical testing. Allele origin: germline.
Comment: This variant was observed in the ICSL laboratory as part of a predisposition screen in an ostensibly healthy population. It had not been previously curated by ICSL or reported in the Human Gene Mutation Database (HGMD: prior to June 1st, 2018), and was therefore a candidate for classification through an automated scoring system. Utilizing variant allele frequency, disease prevalence and penetrance estimates, and inheritance mode, an automated score was calculated to assess if this variant is too frequent to cause the disease. Based on the score and internal cut-off values, a variant classified as benign is not then subjected to further curation. The score for this variant resulted in a classification of benign for this disease.

Athena Diagnostics
Classification: Benign. Last evaluated: 2017-08-02. Review status: criteria provided, single submitter. Criteria: Athena Diagnostics Criteria. Collection method: clinical testing. Allele origin: germline.

Clinical Genetics DNA and cytogenetics Diagnostics Lab, Erasmus MC, Erasmus Medical Center
Classification: Benign for Microcephaly 5, primary, autosomal recessive. Last evaluated: 2017-06-28. Review status: criteria provided, single submitter. Criteria: ACGS Guidelines, 2013. Collection method: clinical testing. Allele origin: germline. Affected: yes. Study: VKGL Data-share Consensus.

GeneDx
Classification: Benign. Last evaluated: 2015-03-03. Review status: criteria provided, single submitter. Criteria: GeneDx Variant Classification Process June 2021. Collection method: clinical testing. Allele origin: germline. Affected: yes.

Eurofins Ntd Llc (ga)
Classification: Benign. Last evaluated: 2014-02-27. Review status: criteria provided, single submitter. Criteria: EGL Classification Definitions 2015. Collection method: clinical testing. Allele origin: germline. Observed: 1 variant allele, 1 homozygote.

Breakthrough Genomics
Classification: Benign. Review status: criteria provided, single submitter. Criteria: ACMG Guidelines, 2015. Collection method: not provided. Allele origin: germline. Inheritance: Autosomal recessive inheritance. Affected: yes.

PreventionGenetics, part of Exact Sciences
Classification: Benign. Review status: criteria provided, single submitter. Criteria: ACMG Guidelines, 2015. Collection method: clinical testing. Allele origin: germline.

Diagnostic Laboratory, Department of Genetics, University Medical Center Groningen
Classification: Benign for Microcephaly 5, primary, autosomal recessive. Review status: no assertion criteria provided. Collection method: clinical testing. Allele origin: germline. Affected: yes. Study: VKGL Data-share Consensus. Not counted in ClinVar's aggregate classification.

GeneReviews
No classification provided. Condition: Microcephaly 5, primary, autosomal recessive. Review status: no classification provided. Collection method: literature only. Allele origin: unknown. Not counted in ClinVar's aggregate classification.

Genetic Services Laboratory, University of Chicago
Classification: Likely benign. Review status: no assertion criteria provided. Collection method: clinical testing. Allele origin: germline. Inheritance: Autosomal recessive inheritance. Not counted in ClinVar's aggregate classification.
Comment: Likely benign based on allele frequency in 1000 Genomes Project or ESP global frequency and its presence in a patient with a rare or unrelated disease phenotype. NOT Sanger confirmed

Joint Genome Diagnostic Labs from Nijmegen and Maastricht, Radboudumc and MUMC+
Classification: Benign. Review status: no assertion criteria provided. Collection method: clinical testing. Allele origin: germline. Affected: yes. Study: VKGL Data-share Consensus. Not counted in ClinVar's aggregate classification.

Literature cited by the submitters: PubMed 20301772 (cited by GeneReviews); NCBI Bookshelf NBK9587 (cited by GeneReviews).

NM_018136.5(ASPM):c.7566A>G (p.Leu2522=)

Gene: ASPM (assembly factor for spindle microtubules; minus strand). Cytogenetic location: 1q31.3.
Variant type: single nucleotide variant.
Coding change: c.7566A>G on transcript NM_018136.5 (MANE Select); coding-DNA position 7566, A replaced by G.
Protein change: p.Leu2522=; no amino-acid change (leucine 2522 retained).
Molecular consequence: synonymous variant. On other transcripts: intron variant (1).
Genome position (GRCh38, 1-based): chr1:197,101,685, T>C on the plus strand (A>G on the coding strand, the complement: ASPM is on the minus strand). VCF-style: chr1-197101685-T-C. GRCh37 (hg19) VCF-style: chr1-197070815-T-C.
Other names: c.4066-5521A>G (NM_001206846.2).
Identifiers: ClinVar variation 21602 (VCV000021602.30), dbSNP rs1412640, ClinGen allele CA171246.